The following is an entry in ClinVar:

ClinVar aggregate classification (germline): Uncertain significance (1 of 4 stars; one submission).

Conditions:
Immunodeficiency 132A. Also called: Herpes simplex encephalitis, susceptibility to, 3. Identifiers: Orphanet 1930, MedGen C3553868, MONDO:0013920, OMIM 614849.

Submission:

Labcorp Genetics (formerly Invitae), Labcorp
Classification: Uncertain significance for Immunodeficiency 132A. Last evaluated: 2024-10-03. Review status: criteria provided, single submitter. Criteria: Invitae Variant Classification Sherloc (09022015). Collection method: clinical testing. Allele origin: germline.
Comment: This sequence change creates a premature translational stop signal (p.Lys286Glufs*11) in the TRAF3 gene. It is expected to result in an absent or disrupted protein product. However, the current clinical and genetic evidence is not sufficient to establish whether loss-of-function variants in TRAF3 cause disease. This variant is not present in population databases (gnomAD no frequency). This variant has not been reported in the literature in individuals affected with TRAF3-related conditions. ClinVar contains an entry for this variant (Variation ID: 540500). In summary, the available evidence is currently insufficient to determine the role of this variant in disease. Therefore, it has been classified as a Variant of Uncertain Significance.

NM_145725.3(TRAF3):c.856_857del (p.Lys286fs)

Gene: TRAF3 (TNF receptor associated factor 3; plus strand). Cytogenetic location: 14q32.32.
Variant type: Deletion.
Coding change: c.856_857del on transcript NM_145725.3 (MANE Select); coding-DNA positions 856 to 857, 2 bases deleted (AA; older notation c.856_857delAA).
Protein change: p.Lys286fs; shifts the reading frame from lysine 286.
Molecular consequence: frameshift variant. On other transcripts: intron variant (1).
Genome position (GRCh38, 1-based): chr14:102,897,297-102,897,298, AA deleted. VCF-style (leftmost placement, unchanged base first): chr14-102897296-CAA-C. GRCh37 (hg19) VCF-style: chr14-103363633-CAA-C.
Other names: c.607_608del, p.Lys203fs (NM_001199427.2); c.775_776del, p.Lys259fs (NM_001385143.1); c.856_857del, p.Lys286fs (NM_003300.4); c.781_782del, p.Lys261fs (NM_145726.3); c.819+5880_819+5881del (NM_001385142.1); short protein forms K286fs, K261fs, K203fs, K259fs.
Identifiers: ClinVar variation 540500 (VCV000540500.7), dbSNP rs1555376796, ClinGen allele CA658798271.